The following is an entry in ClinVar:

NM_001035.3(RYR2):c.5096G>A (p.Arg1699His)

Gene: RYR2 (ryanodine receptor 2; plus strand). Cytogenetic location: 1q43.
Variant type: single nucleotide variant.
Coding change: c.5096G>A on transcript NM_001035.3 (MANE Select); coding-DNA position 5096, G replaced by A.
Protein change: p.Arg1699His; replaces arginine 1699 with histidine.
Molecular consequence: missense variant.
Genome position (GRCh38, 1-based): chr1:237,614,224, G>A. VCF-style: chr1-237614224-G-A. GRCh37 (hg19) VCF-style: chr1-237777524-G-A.
Other names: p.R1699H:CGT>CAT; c.5096G>A, p.Arg1699His (LRG_402t1); short protein forms R1699H.
Identifiers: ClinVar variation 201383 (VCV000201383.23), dbSNP rs779464111, ClinGen allele CA009778.

ClinVar aggregate classification (germline): Uncertain significance. Review status: criteria provided, multiple submitters, no conflicts (2 of 4 stars). 8 submissions from 8 submitters: Uncertain significance (8). Last evaluated 2025-10-29.

Conditions:
Cardiovascular phenotype. Identifiers: MedGen CN230736.
Cardiomyopathy (CMYO). Also called: Cardiomyopathies. Identifiers: Orphanet 167848, MedGen C0878544, MONDO:0004994, HP:0001638. Inheritance: Various modes of inheritance.
Catecholaminergic polymorphic ventricular tachycardia (CVPT). Also called: Catecholamine-induced polymorphic ventricular tachycardia. Identifiers: Orphanet 3286, MedGen C5574922, MONDO:0017990.
Catecholaminergic polymorphic ventricular tachycardia 1. Also called: RYR2-Related Catecholaminergic Polymorphic Ventricular Tachycardia; VENTRICULAR TACHYCARDIA, CATECHOLAMINERGIC POLYMORPHIC, 1, WITH OR WITHOUT ATRIAL DYSFUNCTION AND/OR DILATED CARDIOMYOPATHY; VENTRICULAR TACHYCARDIA, STRESS-INDUCED POLYMORPHIC 1. Identifiers: Orphanet 3286, MedGen C1631597, MONDO:0011484, OMIM 604772.

Allele frequency attached by ClinVar (database versions not stated): ExAC 0.00002; gnomAD 0.00002; gnomAD exomes 0.00002 and 0.00004; TOPMed 0.00002.
gnomAD v4.1: 58 of 1,613,890 alleles (0.0036%); highest among the groups gnomAD compares: Non-Finnish European, 0.0043%; no homozygotes.

Submissions (8):

Labcorp Genetics (formerly Invitae), Labcorp
Classification: Uncertain significance for Catecholaminergic polymorphic ventricular tachycardia 1. Last evaluated: 2025-10-29. Review status: criteria provided, single submitter. Criteria: Invitae Variant Classification Sherloc (09022015). Collection method: clinical testing. Allele origin: germline.
Comment: This sequence change replaces arginine, which is basic and polar, with histidine, which is basic and polar, at codon 1699 of the RYR2 protein (p.Arg1699His). This variant is present in population databases (rs779464111, gnomAD 0.003%). This variant has not been reported in the literature in individuals affected with RYR2-related conditions. ClinVar contains an entry for this variant (Variation ID: 201383). Invitae Evidence Modeling of protein sequence and biophysical properties (such as structural, functional, and spatial information, amino acid conservation, physicochemical variation, residue mobility, and thermodynamic stability) has been performed for this missense variant. However, the output from this modeling did not meet the statistical confidence thresholds required to predict the impact of this variant on RYR2 protein function. In summary, the available evidence is currently insufficient to determine the role of this variant in disease. Therefore, it has been classified as a Variant of Uncertain Significance.

Color Diagnostics, LLC DBA Color Health
Classification: Uncertain significance for Cardiomyopathy. Last evaluated: 2025-08-27. Review status: criteria provided, single submitter. Criteria: ACMG Guidelines, 2015. Collection method: clinical testing. Allele origin: germline.
Comment: This missense variant replaces arginine with histidine at codon 1699 of the RYR2 protein. Computational prediction suggests that this variant may have deleterious impact on protein structure and function. To our knowledge, functional studies have not been reported for this variant. This variant has been reported in an individual suspected of having catecholaminergic polymorphic ventricular tachycardia (PMID: 29453246). This variant has been identified in 5/280614 chromosomes in the general population by the Genome Aggregation Database (gnomAD). The available evidence is insufficient to determine the role of this variant in disease conclusively. Therefore, this variant is classified as a Variant of Uncertain Significance.

Ambry Genetics
Classification: Uncertain significance for Cardiovascular phenotype. Last evaluated: 2025-08-21. Review status: criteria provided, single submitter. Criteria: Ambry Variant Classification Scheme 2023. Collection method: clinical testing. Allele origin: germline.
Comment: The p.R1699H variant (also known as c.5096G>A), located in coding exon 37 of the RYR2 gene, results from a G to A substitution at nucleotide position 5096. The arginine at codon 1699 is replaced by histidine, an amino acid with highly similar properties. This variant was reported in a catecholaminergic polymorphic ventricular tachycardia cohort; however, clinical details were limited (Kapplinger JD et al. Circ Genom Precis Med, 2018 02;11:e001424). This amino acid position is highly conserved in available vertebrate species. In addition, the in silico prediction for this alteration is inconclusive. Based on the available evidence, the clinical significance of this variant remains unclear.

Women's Health and Genetics/Laboratory Corporation of America, LabCorp
Classification: Uncertain significance. Last evaluated: 2024-03-11. Review status: criteria provided, single submitter. Criteria: LabCorp Variant Classification Summary - May 2015. Collection method: clinical testing. Allele origin: germline.
Comment: Variant summary: RYR2 c.5096G>A (p.Arg1699His) results in a non-conservative amino acid change in the encoded protein sequence. Five of five in-silico tools predict a damaging effect of the variant on protein function. The variant allele was found at a frequency of 1.6e-05 in 249222 control chromosomes. The available data on variant occurrences in the general population are insufficient to allow any conclusion about variant significance. c.5096G>A has been reported in the literature in individuals affected with Catecholaminergic Polymorphic Ventricular Tachycardia (Kapplinger_2018) without evidence for causality. These report(s) do not provide unequivocal conclusions about association of the variant with Catecholaminergic Polymorphic Ventricular Tachycardia. To our knowledge, no experimental evidence demonstrating an impact on protein function has been reported. The following publication have been ascertained in the context of this evaluation (PMID: 29453246). ClinVar contains an entry for this variant (Variation ID: 201383). Based on the evidence outlined above, the variant was classified as uncertain significance.

All of Us Research Program, National Institutes of Health
Classification: Uncertain significance for Catecholaminergic polymorphic ventricular tachycardia. Last evaluated: 2023-12-13. Review status: criteria provided, single submitter. Criteria: ACMG Guidelines, 2015. Collection method: clinical testing. Allele origin: germline. Inheritance: Autosomal dominant inheritance. Observed: 3 variant alleles, 3 heterozygotes.
Comment: This missense variant replaces arginine with histidine at codon 1699 of the RYR2 protein. Computational prediction suggests that this variant may have deleterious impact on protein structure and function (internally defined REVEL score threshold >= 0.7, PMID: 27666373). To our knowledge, functional studies have not been reported for this variant. This variant has been reported in an individual suspected of having catecholaminergic polymorphic ventricular tachycardia (PMID: 29453246). This variant has been identified in 5/280614 chromosomes in the general population by the Genome Aggregation Database (gnomAD). The available evidence is insufficient to determine the role of this variant in disease conclusively. Therefore, this variant is classified as a Variant of Uncertain Significance.

This study involves interpretation of variants in research participants for the purpose of population health screening. Participant phenotype was not available at the time of variant classification. Additional details can be found in publication PMID: 35346344, PMCID: PMC8962531

AiLife Diagnostics
Classification: Uncertain significance. Last evaluated: 2021-10-09. Review status: criteria provided, single submitter. Criteria: ACMG Guidelines, 2015. Collection method: clinical testing. Allele origin: germline. Affected: yes. Observed: 1 variant allele.

MVZ Martinsried, Medicover Genetics
Classification: Uncertain significance for Catecholaminergic polymorphic ventricular tachycardia 1. Last evaluated: 2020-05-15. Review status: criteria provided, single submitter. Criteria: ACGS Guidelines, 2020. Collection method: clinical testing. Allele origin: unknown. Affected: yes.

GeneDx
Classification: Uncertain significance. Last evaluated: 2019-12-17. Review status: criteria provided, single submitter. Criteria: GeneDx Variant Classification Process June 2021. Collection method: clinical testing. Allele origin: germline. Affected: yes.
Comment: Not observed at a significant frequency in large population cohorts (Lek et al., 2016); In silico analysis, which includes protein predictors and evolutionary conservation, supports a deleterious effect; Has not been previously published as pathogenic or benign to our knowledge

Literature cited by the submitters: PubMed 29453246 (cited by 4 submitters).